The following is an entry in ClinVar:

NM_001042492.3(NF1):c.1422_1423dup (p.Leu475fs)

Gene: NF1 (neurofibromin 1; plus strand). Cytogenetic location: 17q11.2.
Variant type: Duplication.
Coding change: c.1422_1423dup on transcript NM_001042492.3 (MANE Select); coding-DNA positions 1422 to 1423, 2 bases duplicated (CC; older notation c.1422_1423dupCC).
Protein change: p.Leu475fs; shifts the reading frame from leucine 475.
Molecular consequence: frameshift variant.
Genome position (GRCh38, 1-based): chr17:31,214,480-31,214,481, CC duplicated. VCF-style (leftmost placement, unchanged base first): chr17-31214479-G-GCC. GRCh37 (hg19) VCF-style: chr17-29541497-G-GCC.
Other names: c.1422_1423dup, p.Leu475Profs (NM_000267.4); c.1422_1423dup, p.Leu475fs (NM_001128147.3); short protein forms L475fs.
Identifiers: ClinVar variation 2022469 (VCV002022469.4), dbSNP rs1555612274, ClinGen allele CA2580092785.

ClinVar aggregate classification (germline): Pathogenic (1 of 4 stars; one submission).

Conditions:
Neurofibromatosis, type 1 (NF1). Also called: NEUROFIBROMATOSIS, TYPE I, SOMATIC; Neurofibromatosis, type I; Peripheral type neurofibromatosis; VON RECKLINGHAUSEN DISEASE. Identifiers: Orphanet 636, MedGen C0027831, MONDO:0018975, OMIM 162200. Disease mechanism: loss of function.

Submission:

Labcorp Genetics (formerly Invitae), Labcorp
Classification: Pathogenic for Neurofibromatosis, type 1. Last evaluated: 2022-08-07. Review status: criteria provided, single submitter. Criteria: Invitae Variant Classification Sherloc (09022015). Collection method: clinical testing. Allele origin: germline.
Comment: For these reasons, this variant has been classified as Pathogenic. This variant has not been reported in the literature in individuals affected with NF1-related conditions. This variant is not present in population databases (gnomAD no frequency). This sequence change creates a premature translational stop signal (p.Leu475Profs*24) in the NF1 gene. It is expected to result in an absent or disrupted protein product. Loss-of-function variants in NF1 are known to be pathogenic (PMID: 10712197, 23913538).

Literature cited by the submitters: PubMed 10712197; PubMed 23913538.